The following is an entry in ClinVar:

NM_001013838.3(CARMIL2):c.3554A>C (p.Glu1185Ala)

Gene: CARMIL2 (capping protein regulator and myosin 1 linker 2; plus strand). Cytogenetic location: 16q22.1.
Variant type: single nucleotide variant.
Coding change: c.3554A>C on transcript NM_001013838.3 (MANE Select); coding-DNA position 3554, A replaced by C.
Protein change: p.Glu1185Ala; replaces glutamic acid 1185 with alanine.
Molecular consequence: missense variant.
Genome position (GRCh38, 1-based): chr16:67,654,664, A>C. VCF-style: chr16-67654664-A-C. GRCh37 (hg19) VCF-style: chr16-67688567-A-C.
Other names: p.Glu1185Ala; c.3446A>C, p.Glu1149Ala (NM_001317026.3); c.3554A>C (NM_001013838.1); short protein forms E1149A, E1185A.
Identifiers: ClinVar variation 1164223 (VCV001164223.16), dbSNP rs200875393, ClinGen allele CA8114039.

ClinVar aggregate classification (germline): Conflicting classifications of pathogenicity. Review status: criteria provided, conflicting classifications (1 of 4 stars). 6 submissions from 6 submitters: Uncertain significance (2); Benign (2); Likely benign (2). Last evaluated 2026-01-27.

Conditions:
CARMIL2-related disorder. Also called: CARMIL2-related condition.

Allele frequency attached by ClinVar (database versions not stated): gnomAD 0.00084 and 0.00093; TOPMed 0.00092; ESP Exome Variant Server 0.00096; 1000 Genomes Project 0.00100; ExAC 0.00102; 1000 Genomes Project 30x 0.00109; gnomAD exomes 0.00113 and 0.00157.
gnomAD v4.1: 2,418 of 1,586,144 alleles (0.15%); highest among the groups gnomAD compares: South Asian, 0.37%; 9 homozygotes.

Submissions (6):

Labcorp Genetics (formerly Invitae), Labcorp
Classification: Benign. Last evaluated: 2026-01-27. Review status: criteria provided, single submitter. Criteria: Invitae Variant Classification Sherloc (09022015). Collection method: clinical testing. Allele origin: germline.

Mayo Clinic Laboratories, Mayo Clinic
Classification: Likely benign. Last evaluated: 2025-11-25. Review status: criteria provided, single submitter. Criteria: ACMG Guidelines, 2015. Collection method: clinical testing. Allele origin: germline. Observed: 2 variant alleles.
Comment: BS1, BP4

PreventionGenetics, part of Exact Sciences
Classification: Uncertain significance for CARMIL2-related condition. Last evaluated: 2025-02-05. Review status: criteria provided, single submitter. Criteria: ACMG Guidelines, 2015. Collection method: clinical testing. Allele origin: germline.
Comment: The CARMIL2 c.3554A>C variant is predicted to result in the amino acid substitution p.Glu1185Ala. This variant has been reported as a variant of uncertain significance alongside a second variant of uncertain significance described as c.833G>A (p.Arg278Gln) in a patient affected with immunodeficiency (Table E3, Similuk et al. 2022. PubMed ID: 35753512). However, the phase of these variants was not reported. This variant is reported in 0.36% of alleles in individuals of South Asian descent in gnomAD, including multiple homozygous individuals in gnomAD v4, which may be too common to be causative of disease. Although we suspect that this variant may be benign, at this time, the clinical significance of this variant is uncertain due to the absence of conclusive functional and genetic evidence.

Blueprint Genetics
Classification: Likely benign. Last evaluated: 2024-11-26. Review status: criteria provided, single submitter. Criteria: ACMG Guidelines, 2015. Collection method: clinical testing. Allele origin: germline.

GeneDx
Classification: Uncertain significance. Last evaluated: 2022-08-01. Review status: criteria provided, single submitter. Criteria: GeneDx Variant Classification Process June 2021. Collection method: clinical testing. Allele origin: germline. Affected: yes.
Comment: In silico analysis supports that this missense variant has a deleterious effect on protein structure/function; Has not been previously published as pathogenic or benign to our knowledge

Breakthrough Genomics
Classification: Benign. Review status: criteria provided, single submitter. Criteria: ACMG Guidelines, 2015. Collection method: not provided. Allele origin: germline. Inheritance: Autosomal recessive inheritance. Affected: yes.

Literature cited by the submitters: PubMed 35753512 (cited by Mayo Clinic Laboratories, Mayo Clinic).